The following is an entry in ClinVar:

NM_018896.5(CACNA1G):c.7072C>T (p.Pro2358Ser)

Gene: CACNA1G (calcium voltage-gated channel subunit alpha1 G; plus strand). Cytogenetic location: 17q21.33.
Variant type: single nucleotide variant.
Coding change: c.7072C>T on transcript NM_018896.5 (MANE Select); coding-DNA position 7072, C replaced by T.
Protein change: p.Pro2358Ser; replaces proline 2358 with serine.
Molecular consequence: missense variant. On other transcripts: non-coding transcript variant (5).
Genome position (GRCh38, 1-based): chr17:50,626,689, C>T. VCF-style: chr17-50626689-C-T. GRCh37 (hg19) VCF-style: chr17-48704050-C-T.
Other names: c.6883C>T, p.Pro2295Ser (NM_001256324.2); c.6814C>T, p.Pro2272Ser (NM_001256325.2); c.6802C>T, p.Pro2268Ser (NM_001256326.2); c.6772C>T, p.Pro2258Ser (NM_001256327.2); c.6718C>T, p.Pro2240Ser (NM_001256328.2); c.6691C>T, p.Pro2231Ser (NM_001256329.2, NM_198387.3); c.6658C>T, p.Pro2220Ser (NM_001256330.2); c.6637C>T, p.Pro2213Ser (NM_001256331.2); and 18 more; short protein forms P2152S, P2175S, P2186S, P2208S, P2213S, P2220S, P2224S, P2227S.
Identifiers: ClinVar variation 4883315 (VCV004883315.2).

ClinVar aggregate classification (germline): Uncertain significance (1 of 4 stars; one submission).

gnomAD v4.1: 1 of 1,613,282 alleles (0.000062%); no homozygotes.

Submission:

Dasa
Classification: Uncertain significance. Last evaluated: 2025-01-15. Review status: criteria provided, single submitter. Criteria: DASA Assertion Criteria. Collection method: clinical testing. Allele origin: germline.
Comment: NM_018896.5(CACNA1G):c.7072C>T (p.Pro2358Ser) is a missense variant that results in the substitution of proline with serine. This variant is rare in population databases. Computational prediction algorithms are consistent with a benign effect. The currently available literature and clinical evidence are not sufficient to establish a definitive association between this variant and the reported condition. Therefore, this variant is classified as a variant of uncertain significance.